The following continues an entry in ClinVar:

NM_000329.3(RPE65):c.370C>T (p.Arg124Ter)

Gene: RPE65. ClinVar aggregate classification (germline): Pathogenic. Pathogenic (1).

Submissions 12 to 17 of 17:

Ambry Genetics
Classification: Pathogenic for Inborn genetic diseases. Last evaluated: 2023-06-12. Review status: criteria provided, single submitter. Criteria: Ambry Variant Classification Scheme 2023. Collection method: clinical testing. Allele origin: germline. Not counted in ClinVar's aggregate classification.
Comment: The c.370C>T (p.R124*) alteration, located in coding exon 5 of the RPE65 gene, consists of a C to T substitution at nucleotide position 370. This changes the amino acid from an arginine (R) to a stop codon at amino acid position 124. This alteration is expected to result in loss of function by premature protein truncation or nonsense-mediated mRNA decay. Based on data from gnomAD, the T allele has an overall frequency of 0.006% (16/282008) total alleles studied. The highest observed frequency was 0.037% (9/24480) of African alleles. This variant has been reported in compound heterozygous state in multiple individuals with RPE65-related retinopathies (Kumaran, 2018; Chung, 2019; Maltese, 2022). Based on the available evidence, this alteration is classified as pathogenic.

Women's Health and Genetics/Laboratory Corporation of America, LabCorp
Classification: Pathogenic for Leber congenital amaurosis. Last evaluated: 2023-01-19. Review status: criteria provided, single submitter. Criteria: LabCorp Variant Classification Summary - May 2015. Collection method: clinical testing. Allele origin: germline. Not counted in ClinVar's aggregate classification.
Comment: Variant summary: RPE65 c.370C>T (p.Arg124X) results in a premature termination codon, predicted to cause a truncation of the encoded protein or absence of the protein due to nonsense mediated decay, which are commonly known mechanisms for disease. Truncations downstream of this position have been reported in HGMD in association with Leber congenital amaurosis and Retinal degeneration. The variant allele was found at a frequency of 3.6e-05 in 250738 control chromosomes. c.370C>T has been reported in the literature in multiple individuals affected with Leber Congenital Amaurosis and inherited retinal dystrophies (examples: Galvin_2005, Zhong_2019, Zenteno_2019, Lopez-Rodriguez_2021, Testa_2022). These data indicate that the variant is very likely to be associated with disease. Five clinical diagnostic laboratories have submitted clinical-significance assessments for this variant to ClinVar after 2014 without evidence for independent evaluation. All laboratories classified the variant as pathogenic. Based on the evidence outlined above, the variant was classified as pathogenic.

Institute of Human Genetics, Univ. Regensburg, Univ. Regensburg
Classification: Pathogenic for Retinal dystrophy. Last evaluated: 2022-01-01. Review status: criteria provided, single submitter. Criteria: ACMG Guidelines, 2015. Collection method: clinical testing. Allele origin: germline. Affected: yes. Not counted in ClinVar's aggregate classification.

Mendelics
Classification: Pathogenic for Leber congenital amaurosis 2. Last evaluated: 2019-05-28. Review status: criteria provided, single submitter. Criteria: Mendelics Assertion Criteria 2017. Collection method: clinical testing. Allele origin: unknown. Not counted in ClinVar's aggregate classification.

Laboratory of Genetics in Ophthalmology, Institut Imagine
Classification: Pathogenic for Leber congenital amaurosis 2. Review status: no assertion criteria provided. Collection method: research. Allele origin: inherited. Affected: yes. Observed: 2 variant alleles. Not counted in ClinVar's aggregate classification.

Retina International
No classification provided. Review status: no classification provided. Collection method: not provided. Allele origin: not provided. Not counted in ClinVar's aggregate classification.

Literature cited by the submitters: PubMed 31736247 (cited by 3 submitters); PubMed 30996589 (cited by 4 submitters); PubMed 9326941 (cited by Labcorp Genetics (formerly Invitae), Labcorp); PubMed 9501220 (cited by Labcorp Genetics (formerly Invitae), Labcorp and Institute of Human Genetics, Univ. Regensburg, Univ. Regensburg); PubMed 9843205 (cited by Labcorp Genetics (formerly Invitae), Labcorp); PubMed 18632300 (cited by Labcorp Genetics (formerly Invitae), Labcorp); PubMed 19854499 (cited by Labcorp Genetics (formerly Invitae), Labcorp and Institute of Human Genetics, Univ. Regensburg, Univ. Regensburg); PubMed 20683928 (cited by Labcorp Genetics (formerly Invitae), Labcorp); PubMed 30025081 (cited by 3billion and Ambry Genetics); PubMed 30268864 (cited by Ambry Genetics and Institute of Human Genetics, Univ. Regensburg, Univ. Regensburg); PubMed 35836572 (cited by Ambry Genetics and Institute of Human Genetics, Univ. Regensburg, Univ. Regensburg); PubMed 35129589 (cited by Women's Health and Genetics/Laboratory Corporation of America, LabCorp); PubMed 16205573 (cited by Women's Health and Genetics/Laboratory Corporation of America, LabCorp); PubMed 34492281 (cited by Women's Health and Genetics/Laboratory Corporation of America, LabCorp and Institute of Human Genetics, Univ. Regensburg, Univ. Regensburg); PubMed 25257057 (cited by Institute of Human Genetics, Univ. Regensburg, Univ. Regensburg); PubMed 25525159 (cited by Institute of Human Genetics, Univ. Regensburg, Univ. Regensburg); PubMed 28559085 (cited by Institute of Human Genetics, Univ. Regensburg, Univ. Regensburg); PubMed 29332120 (cited by Institute of Human Genetics, Univ. Regensburg, Univ. Regensburg); PubMed 28945494 (cited by Institute of Human Genetics, Univ. Regensburg, Univ. Regensburg); PubMed 31213501 (cited by Institute of Human Genetics, Univ. Regensburg, Univ. Regensburg); PubMed 31964843 (cited by Institute of Human Genetics, Univ. Regensburg, Univ. Regensburg); PubMed 32865313 (cited by Institute of Human Genetics, Univ. Regensburg, Univ. Regensburg); PubMed 31630094 (cited by Institute of Human Genetics, Univ. Regensburg, Univ. Regensburg); PubMed 33576794 (cited by Institute of Human Genetics, Univ. Regensburg, Univ. Regensburg); PubMed 34830511 (cited by Institute of Human Genetics, Univ. Regensburg, Univ. Regensburg); PubMed 36460718 (cited by Institute of Human Genetics, Univ. Regensburg, Univ. Regensburg); PubMed 35835501 (cited by Institute of Human Genetics, Univ. Regensburg, Univ. Regensburg); PubMed 16123401 (cited by Laboratory of Genetics in Ophthalmology, Institut Imagine).